The following is an entry in ClinVar:

NM_001029883.3(PCARE):c.2880G>C (p.Trp960Cys)

Gene: PCARE (photoreceptor cilium actin regulator; minus strand). Cytogenetic location: 2p23.2.
Variant type: single nucleotide variant.
Coding change: c.2880G>C on transcript NM_001029883.3 (MANE Select); coding-DNA position 2880, G replaced by C.
Protein change: p.Trp960Cys; replaces tryptophan 960 with cysteine.
Molecular consequence: missense variant.
Genome position (GRCh38, 1-based): chr2:29,071,382, C>G on the plus strand (G>C on the coding strand, the complement: PCARE is on the minus strand). VCF-style: chr2-29071382-C-G. GRCh37 (hg19) VCF-style: chr2-29294248-C-G.
Other names: short protein forms W960C.
Identifiers: ClinVar variation 1931026 (VCV001931026.5), dbSNP rs1667479290, ClinGen allele CA346476239.

ClinVar aggregate classification (germline): Uncertain significance (1 of 4 stars; one submission).

Allele frequency attached by ClinVar (database versions not stated): gnomAD exomes below 0.00001; gnomAD 0.00001.

Submission:

Labcorp Genetics (formerly Invitae), Labcorp
Classification: Uncertain significance. Last evaluated: 2022-01-27. Review status: criteria provided, single submitter. Criteria: Invitae Variant Classification Sherloc (09022015). Collection method: clinical testing. Allele origin: germline.
Comment: This variant has not been reported in the literature in individuals affected with PCARE-related conditions. In summary, the available evidence is currently insufficient to determine the role of this variant in disease. Therefore, it has been classified as a Variant of Uncertain Significance. Algorithms developed to predict the effect of missense changes on protein structure and function are either unavailable or do not agree on the potential impact of this missense change (SIFT: "Deleterious"; PolyPhen-2: "Benign"; Align-GVGD: "Class C15"). This variant is not present in population databases (gnomAD no frequency). This sequence change replaces tryptophan, which is neutral and slightly polar, with cysteine, which is neutral and slightly polar, at codon 960 of the PCARE protein (p.Trp960Cys).